The following is an entry in ClinVar:

ClinVar aggregate classification (germline): Uncertain significance (1 of 4 stars; one submission).

Submission:

Labcorp Genetics (formerly Invitae), Labcorp
Classification: Uncertain significance. Last evaluated: 2022-11-22. Review status: criteria provided, single submitter. Criteria: Invitae Variant Classification Sherloc (09022015). Collection method: clinical testing. Allele origin: germline.
Comment: This sequence change replaces glutamic acid, which is acidic and polar, with leucine, which is neutral and non-polar, at codon 437 of the CARD8 protein (p.Glu437Leu). In summary, the available evidence is currently insufficient to determine the role of this variant in disease. Therefore, it has been classified as a Variant of Uncertain Significance. Algorithms developed to predict the effect of missense changes on protein structure and function are either unavailable or do not agree on the potential impact of this missense change (SIFT: "Not Available"; PolyPhen-2: "Probably Damaging"; Align-GVGD: "Not Available"). ClinVar contains an entry for this variant (Variation ID: 1494804). This variant has not been reported in the literature in individuals affected with CARD8-related conditions. Information on the frequency of this variant in the gnomAD database is not available, as this variant may be reported differently in the database.

NM_001184900.3(CARD8):c.1459_1460delinsTT (p.Glu487Leu)

Gene: CARD8 (caspase recruitment domain family member 8; minus strand). Cytogenetic location: 19q13.33.
Variant type: Indel.
Coding change: c.1459_1460delinsTT on transcript NM_001184900.3 (MANE Select); coding-DNA positions 1459 to 1460, GA replaced by TT.
Protein change: p.Glu487Leu; replaces glutamic acid 487 with leucine.
Molecular consequence: missense variant. On other transcripts: 3 prime UTR variant (7), non-coding transcript variant (3), intron variant (1).
Genome position (GRCh38, 1-based): chr19:48,211,864-48,211,865, TC replaced by AA on the plus strand (GA replaced by TT on the coding strand, the reverse complement: CARD8 is on the minus strand). VCF-style: chr19-48211864-TC-AA. GRCh37 (hg19) VCF-style: chr19-48715121-TC-AA.
Other names: c.1309_1310delinsTT, p.Glu437Leu (NM_001184901.1, NM_001351783.2, NM_014959.5); c.*138_*139delinsTT (NM_001184902.2, NM_001184903.1, NM_001351788.2 and 4 more transcripts); c.1459_1460delinsTT, p.Glu487Leu (NM_001351782.2); c.1144_1145delinsTT, p.Glu382Leu (NM_001351784.2); c.1123_1124delinsTT, p.Glu375Leu (NM_001351786.2); c.1141_1142delinsTT, p.Glu381Leu (NM_001365950.1); c.1033+3475_1033+3476delinsTT (NM_001351787.2); short protein forms E382L, E437L, E487L, E375L, E381L.
Identifiers: ClinVar variation 1494804 (VCV001494804.6), dbSNP rs2123789923, ClinGen allele CA2573156505.